The following is an entry in ClinVar:

NM_000152.5(GAA):c.2723G>T (p.Gly908Val)

Gene: GAA (alpha glucosidase; plus strand). Cytogenetic location: 17q25.3.
Variant type: single nucleotide variant.
Coding change: c.2723G>T on transcript NM_000152.5 (MANE Select); coding-DNA position 2723, G replaced by T.
Protein change: p.Gly908Val; replaces glycine 908 with valine.
Molecular consequence: missense variant.
Genome position (GRCh38, 1-based): chr17:80,118,729, G>T. VCF-style: chr17-80118729-G-T. GRCh37 (hg19) VCF-style: chr17-78092528-G-T.
Other names: c.2723G>T, p.Gly908Val (NM_001079803.3, NM_001079804.3); short protein forms G908V.
Identifiers: ClinVar variation 1482129 (VCV001482129.8), dbSNP rs2143933949, ClinGen allele CA401327012.

ClinVar aggregate classification (germline): Uncertain significance (1 of 4 stars; one submission).

Conditions:
Glycogen storage disease, type II (IOPD). Also called: Glucosidase acid-1,4-alpha deficiency; Pompe Disease; POMPE DISEASE, INFANTILE-ONSET; GLYCOGEN STORAGE DISEASE II, INFANTILE-ONSET; ACID ALPHA-GLUCOSIDASE DEFICIENCY, INFANTILE-ONSET; GAA DEFICIENCY, INFANTILE-ONSET. Identifiers: Orphanet 365, MedGen C0017921, MONDO:0009290, OMIM 232300.

Submission:

Labcorp Genetics (formerly Invitae), Labcorp
Classification: Uncertain significance for Glycogen storage disease, type II. Last evaluated: 2021-03-28. Review status: criteria provided, single submitter. Criteria: Invitae Variant Classification Sherloc (09022015). Collection method: clinical testing. Allele origin: germline.
Comment: In summary, the available evidence is currently insufficient to determine the role of this variant in disease. Therefore, it has been classified as a Variant of Uncertain Significance. Advanced modeling of protein sequence and biophysical properties (such as structural, functional, and spatial information, amino acid conservation, physicochemical variation, residue mobility, and thermodynamic stability) performed at Invitae indicates that this missense variant is expected to disrupt GAA protein function. This variant has not been reported in the literature in individuals with GAA-related conditions. This variant is not present in population databases (ExAC no frequency). This sequence change replaces glycine with valine at codon 908 of the GAA protein (p.Gly908Val). The glycine residue is highly conserved and there is a moderate physicochemical difference between glycine and valine.